The following is an entry in ClinVar:

NM_031471.6(FERMT3):c.2T>G (p.Met1Arg)

Genes: FERMT3 (FERM domain containing kindlin 3; plus strand), LOC130005912 (ATAC-STARR-seq lymphoblastoid active region 4886; plus strand). Cytogenetic location: 11q13.1.
Variant type: single nucleotide variant.
Coding change: c.2T>G on transcript NM_031471.6 (MANE Select); coding-DNA position 2, T replaced by G.
Protein change: p.Met1Arg; changes the start codon (methionine 1).
Molecular consequence: missense variant, initiator codon variant.
Genome position (GRCh38, 1-based): chr11:64,207,366, T>G. VCF-style: chr11-64207366-T-G. GRCh37 (hg19) VCF-style: chr11-63974838-T-G.
Other names: c.2T>G, p.Met1Arg (NM_001382361.1, NM_001382362.1, NM_001382448.1 and 1 more transcripts); short protein forms M1R.
Identifiers: ClinVar variation 1912006 (VCV001912006.6), dbSNP rs753093402, ClinGen allele CA6068606.
Genomic context (GRCh38, chr11:64,207,366, plus strand): 5'-CCTACCAGGGCCTGCCCACCTTGCCTCCTTCCACACTCTCTGTAGCAGCAGCCGCAGCCA[T>G]GGCGGGGATGAAGACAGCCTCCGGGGACTACATCGACTCGTCATGGGAGCTGCGGGTGTT-3'
Protein context (NP_113659.3, residues 1-11): [Met1Arg]AGMKTASGDY

ClinVar aggregate classification (germline): Uncertain significance (1 of 4 stars; one submission).

Conditions:
Leukocyte adhesion deficiency 3. Also called: INTEGRIN ACTIVATION DEFICIENCY DISEASE; LEUKOCYTE ADHESION DEFICIENCY 1 VARIANT; Leukocyte adhesion deficiency, type III. Identifiers: Orphanet 2968, Orphanet 99844, MedGen C2748536, MONDO:0013016, OMIM 612840.

Allele frequency attached by ClinVar (database versions not stated): gnomAD 0.00001; ExAC 0.00006.

Submission:

Labcorp Genetics (formerly Invitae), Labcorp
Classification: Uncertain significance for Leukocyte adhesion deficiency 3. Last evaluated: 2024-07-31. Review status: criteria provided, single submitter. Criteria: Invitae Variant Classification Sherloc (09022015). Collection method: clinical testing. Allele origin: germline.
Comment: This sequence change affects the initiator methionine of the FERMT3 mRNA. The next in-frame methionine is located at codon 4. This variant is present in population databases (rs753093402, gnomAD 0.008%). This variant has not been reported in the literature in individuals affected with FERMT3-related conditions. ClinVar contains an entry for this variant (Variation ID: 1912006). Experimental studies and prediction algorithms are not available or were not evaluated, and the functional significance of this variant is currently unknown. In summary, the available evidence is currently insufficient to determine the role of this variant in disease. Therefore, it has been classified as a Variant of Uncertain Significance.